The following is an entry in ClinVar:

NM_138295.5(PKD1L1):c.2185C>T (p.Leu729Phe)

Gene: PKD1L1 (polycystin 1 like 1, transient receptor potential channel interacting; minus strand). Cytogenetic location: 7p12.3.
Variant type: single nucleotide variant.
Coding change: c.2185C>T on transcript NM_138295.5 (MANE Select); coding-DNA position 2185, C replaced by T.
Protein change: p.Leu729Phe; replaces leucine 729 with phenylalanine.
Molecular consequence: missense variant.
Genome position (GRCh38, 1-based): chr7:47,898,074, G>A on the plus strand (C>T on the coding strand, the complement: PKD1L1 is on the minus strand). VCF-style: chr7-47898074-G-A. GRCh37 (hg19) VCF-style: chr7-47937671-G-A.
Other names: short protein forms L729F.
Identifiers: ClinVar variation 4137525 (VCV004137525.2).

ClinVar aggregate classification (germline): Uncertain significance. Review status: criteria provided, multiple submitters, no conflicts (2 of 4 stars). 2 submissions from 2 submitters: Uncertain significance (2). Last evaluated 2025-12-08.

Conditions:
PKD1L1-related disorder. Also called: PKD1L1-related condition.
Inborn genetic diseases. Identifiers: MedGen C0950123, MeSH D030342.

gnomAD v4.1: 2 of 1,613,908 alleles (0.00012%); highest among the groups gnomAD compares: African/African-American, 0.0013%; no homozygotes.

Submissions (2):

PreventionGenetics, part of Exact Sciences
Classification: Uncertain significance for PKD1L1-related condition. Last evaluated: 2025-12-08. Review status: criteria provided, single submitter. Criteria: ACMG Guidelines, 2015. Collection method: clinical testing. Allele origin: germline.
Comment: The PKD1L1 c.2185C>T variant is predicted to result in the amino acid substitution p.Leu729Phe. To our knowledge, this variant has not been reported in the literature or in a large population database (gnomAD), indicating this variant is rare. At this time, the clinical significance of this variant is uncertain due to the absence of conclusive functional and genetic evidence.

Ambry Genetics
Classification: Uncertain significance for Inborn genetic diseases. Last evaluated: 2025-08-08. Review status: criteria provided, single submitter. Criteria: Ambry Variant Classification Scheme 2023. Collection method: clinical testing. Allele origin: germline.